The following is an entry in ClinVar:

ClinVar aggregate classification (germline): not provided (0 of 4 stars; one submission).

Conditions:
Seizures, benign familial neonatal, 1. Also called: KCNQ2-Related Benign Familial Neonatal Epilepsy; Benign Neonatal Epilepsy 1; KCNQ2-Related Self-Limited Familial Neonatal Epilepsy (SLFNE); Seizures, benign neonatal, 1. Identifiers: Orphanet 1949, MedGen C3149074, MONDO:0007365, OMIM 121200.

Submission:

GeneReviews
No classification provided. Condition: Seizures, benign familial neonatal, 1. Review status: no classification provided. Collection method: literature only. Allele origin: germline. Affected: yes.
Comment: BFNE (benign familial neonatal epilepsy)

Literature cited by the submitters: PubMed 25982755; NCBI Bookshelf NBK32534.

NM_172107.4(KCNQ2):c.1856_1886del (p.Met619fs)

Gene: KCNQ2 (potassium voltage-gated channel subfamily Q member 2; minus strand). Cytogenetic location: 20q13.33.
Variant type: Deletion.
Coding change: c.1856_1886del on transcript NM_172107.4 (MANE Select); coding-DNA positions 1856 to 1886, 31 bases deleted.
Protein change: p.Met619fs; shifts the reading frame from methionine 619.
Molecular consequence: frameshift variant.
Genome position (GRCh38, 1-based): chr20:63,408,414-63,408,444, 31 bases deleted; deleting any 31 consecutive bases within chr20:63,408,414-63,408,448 gives the same sequence; the c. name uses the placement nearest the transcript's 3' end. GRCh37 (hg19): chr20:62,039,771-62,039,801.
Other names: c.1772_1802del, p.Met591fs (NM_004518.6); c.1802_1832del, p.Met601fs (NM_172106.3); c.1763_1793del, p.Met588fs (NM_172108.5); short protein forms M591fs, M619fs, M588fs, M601fs.
Identifiers: ClinVar variation 369812 (VCV000369812.2), dbSNP rs1555851445, ClinGen allele CA10654778.